The following is an entry in ClinVar:

NM_000497.4(CYP11B1):c.840del (p.Phe280fs)

Genes: CYP11B1 (cytochrome P450 family 11 subfamily B member 1; minus strand), LOC106799833 (CYP11B1 recombination region; plus strand). Cytogenetic location: 8q24.3.
Variant type: Deletion.
Coding change: c.840del on transcript NM_000497.4 (MANE Select); coding-DNA position 840, one base deleted (C; older notation c.840delC).
Protein change: p.Phe280fs; shifts the reading frame from phenylalanine 280.
Molecular consequence: frameshift variant.
Genome position (GRCh38, 1-based): chr8:142,876,355, G deleted on the plus strand (C on the coding strand, the reverse complement: CYP11B1 is on the minus strand). VCF-style (leftmost placement, unchanged base first): chr8-142876354-TG-T. GRCh37 (hg19) VCF-style: chr8-143957770-TG-T.
Other names: c.840del, p.Phe280fs (NM_001026213.1); short protein forms F280fs.
Identifiers: ClinVar variation 5014568 (VCV005014568.1).

ClinVar aggregate classification (germline): Pathogenic (1 of 4 stars; one submission).

Conditions:
Deficiency of steroid 11-beta-monooxygenase (CYP11B1). Also called: ADRENAL HYPERPLASIA, CONGENITAL, DUE TO STEROID 11-BETA-HYDROXYLASE DEFICIENCY; 11-BETA-HYDROXYLASE DEFICIENCY; ADRENAL HYPERPLASIA IV; P450C11B1 DEFICIENCY; STEROID 11-BETA-HYDROXYLASE DEFICIENCY; Congenital adrenal hyperplasia due to 11-beta-hydroxylase deficiency. Identifiers: Orphanet 90795, MedGen C0268292, MONDO:0008729, OMIM 202010. Disease mechanism: loss of function.

Submission:

Myriad Genetics, Inc.
Classification: Pathogenic for Deficiency of steroid 11-beta-monooxygenase. Last evaluated: 2025-06-09. Review status: criteria provided, single submitter. Criteria: Myriad Autosomal Dominant, Autosomal Recessive and X-Linked Classification Criteria (2023). Collection method: clinical testing. Allele origin: unknown.
Comment: NM_000497.3(CYP11B1):c.840delC(F280Lfs*16) is expected to be pathogenic in the context of congenital adrenal hyperplasia, CYP11B1-related. This variant is predicted to lead to an abnormal or absent protein product due to the creation of a premature termination codon in CYP11B1, a gene where loss-of-function variants are known to be pathogenic. Please note: this variant was assessed in the context of healthy population screening.